The following is an entry in ClinVar:

ClinVar aggregate classification (germline): Uncertain significance (1 of 4 stars; one submission).

Conditions:
Familial sleep-related hypermotor epilepsy. Also called: Autosomal Dominant Sleep-Related Hypermotor (Hyperkinetic) Epilepsy. Identifiers: Orphanet 98784, MedGen C3696898, MONDO:0000030.

Allele frequency attached by ClinVar (database versions not stated): gnomAD 0.00003 and 0.00004; TOPMed 0.00010.
gnomAD v4.1: 10 of 1,537,610 alleles (0.00065%); highest among the groups gnomAD compares: Admixed American, 0.014%; no homozygotes.

Submission:

Labcorp Genetics (formerly Invitae), Labcorp
Classification: Uncertain significance. Last evaluated: 2025-08-11. Review status: criteria provided, single submitter. Criteria: Invitae Variant Classification Sherloc (09022015). Collection method: clinical testing. Allele origin: germline.
Comment: This sequence change replaces arginine, which is basic and polar, with tryptophan, which is neutral and slightly polar, at codon 439 of the CHRNB2 protein (p.Arg439Trp). This variant is present in population databases (no rsID available, gnomAD 0.004%). This variant has not been reported in the literature in individuals affected with CHRNB2-related conditions. ClinVar contains an entry for this variant (Variation ID: 843584). Invitae Evidence Modeling of protein sequence and biophysical properties (such as structural, functional, and spatial information, amino acid conservation, physicochemical variation, residue mobility, and thermodynamic stability) indicates that this missense variant is expected to disrupt CHRNB2 protein function with a positive predictive value of 80%. In summary, the available evidence is currently insufficient to determine the role of this variant in disease. Therefore, it has been classified as a Variant of Uncertain Significance.

NM_000748.3(CHRNB2):c.1315C>T (p.Arg439Trp)

Gene: CHRNB2 (cholinergic receptor nicotinic beta 2 subunit; plus strand). Cytogenetic location: 1q21.3.
Variant type: single nucleotide variant.
Coding change: c.1315C>T on transcript NM_000748.3 (MANE Select); coding-DNA position 1315, C replaced by T.
Protein change: p.Arg439Trp; replaces arginine 439 with tryptophan.
Molecular consequence: missense variant.
Genome position (GRCh38, 1-based): chr1:154,572,138, C>T. VCF-style: chr1-154572138-C-T. GRCh37 (hg19) VCF-style: chr1-154544614-C-T.
Other names: short protein forms R439W.
Identifiers: ClinVar variation 843584 (VCV000843584.9), dbSNP rs945492622, ClinGen allele CA30835207.